The following is an entry in ClinVar:

ClinVar aggregate classification (germline): Uncertain significance (1 of 4 stars; one submission).

Submission:

GeneDx
Classification: Uncertain significance. Last evaluated: 2024-08-19. Review status: criteria provided, single submitter. Criteria: GeneDx Variant Classification Process June 2021. Collection method: clinical testing. Allele origin: germline. Affected: yes.
Comment: Not observed at significant frequency in large population cohorts (gnomAD); In silico analysis supports that this missense variant has a deleterious effect on protein structure/function; Has not been previously published as pathogenic or benign to our knowledge

NM_000875.5(IGF1R):c.1807T>C (p.Tyr603His)

Gene: IGF1R (insulin like growth factor 1 receptor; plus strand). Cytogenetic location: 15q26.3.
Variant type: single nucleotide variant.
Coding change: c.1807T>C on transcript NM_000875.5 (MANE Select); coding-DNA position 1807, T replaced by C.
Protein change: p.Tyr603His; replaces tyrosine 603 with histidine.
Molecular consequence: missense variant.
Genome position (GRCh38, 1-based): chr15:98,913,261, T>C. VCF-style: chr15-98913261-T-C. GRCh37 (hg19) VCF-style: chr15-99456490-T-C.
Other names: c.1807T>C, p.Tyr603His (NM_001291858.2); short protein forms Y603H.
Identifiers: ClinVar variation 3764264 (VCV003764264.1).